The following is an entry in ClinVar:

ClinVar aggregate classification (germline): Likely pathogenic (1 of 4 stars; one submission).

Conditions:
Primary ciliary dyskinesia. Also called: Ciliary dyskinesia. Identifiers: Orphanet 244, MedGen C0008780, MONDO:0016575, HP:0012265.

Submission:

Department of Human Genetics, Hannover Medical School
Classification: Likely pathogenic for Primary Ciliary Dyskinesia. Last evaluated: 2026-04-01. Review status: criteria provided, single submitter. Criteria: ACMG Guidelines, 2015. Collection method: research. Allele origin: germline. Affected: no.
Comment: Classification performed by HerediClassify using the following criteria:['PVS1_protein_very_strong: Transcript ENST00000327554 is predicted to undergo NMD. ']

NM_178499.5(CCDC60):c.592dup (p.Ile198fs)

Genes: CCDC60 (coiled-coil domain containing 60; plus strand), PRKAB1-AS1 (PRKAB1, TMEM233 and CCDC60 antisense RNA 1; minus strand). Cytogenetic location: 12q24.23.
Variant type: Duplication.
Coding change: c.592dup on transcript NM_178499.5 (MANE Select); coding-DNA position 592, one base duplicated (A; older notation c.592dupA).
Protein change: p.Ile198fs; shifts the reading frame from isoleucine 198.
Molecular consequence: frameshift variant.
Genome position (GRCh38, 1-based): chr12:119,500,112, A duplicated; the last of 7 consecutive A bases (chr12:119,500,106-119,500,112); duplicating any one gives the same sequence. VCF-style (leftmost placement, unchanged base first): chr12-119500105-T-TA. GRCh37 (hg19) VCF-style: chr12-119937910-T-TA.
Other names: short protein forms I198fs.
Identifiers: ClinVar variation 4880122 (VCV004880122.1).